The following is an entry in ClinVar:

NM_017636.4(TRPM4):c.640C>T (p.Arg214Cys)

Gene: TRPM4 (transient receptor potential cation channel subfamily M member 4; plus strand). Cytogenetic location: 19q13.33.
Variant type: single nucleotide variant.
Coding change: c.640C>T on transcript NM_017636.4 (MANE Select); coding-DNA position 640, C replaced by T.
Protein change: p.Arg214Cys; replaces arginine 214 with cysteine.
Molecular consequence: missense variant. On other transcripts: 5 prime UTR variant (2).
Genome position (GRCh38, 1-based): chr19:49,168,580, C>T. VCF-style: chr19-49168580-C-T. GRCh37 (hg19) VCF-style: chr19-49671837-C-T.
Other names: c.640C>T, p.Arg214Cys (NM_001195227.2); c.295C>T, p.Arg99Cys (NM_001321281.2); c.-914C>T (NM_001321282.2); c.118C>T, p.Arg40Cys (NM_001321283.2); c.-210C>T (NM_001321285.2); short protein forms R214C, R40C, R99C.
Identifiers: ClinVar variation 618449 (VCV000618449.18), dbSNP rs149860526, ClinGen allele CA309431475.
Genomic context (GRCh38, chr19:49,168,580, plus strand): 5'-GGAGACGCCCTGGTCTGGCCATTTTTCCCCTAGGGCTCGTTCCCTGCGAGGTACCGGTGG[C>T]GCGGTGACCCGGAGGACGGGGTCCAGTTTCCCCTGGACTACAACTACTCGGCCTTCTTCC-3'
Protein context (NP_060106.2, residues 204-224): KGSFPARYRW[Arg214Cys]GDPEDGVQFP

ClinVar aggregate classification (germline): Uncertain significance. Review status: criteria provided, multiple submitters, no conflicts (2 of 4 stars). 3 submissions from 3 submitters: Uncertain significance (3). Last evaluated 2024-12-30.

Conditions:
Progressive familial heart block type IB (PFHB1B). Identifiers: Orphanet 871, MedGen C1970298, MONDO:0011474, OMIM 604559.
Cardiovascular phenotype. Identifiers: MedGen CN230736.

Allele frequency attached by ClinVar (database versions not stated): gnomAD exomes 0.00001; TOPMed 0.00001; ESP Exome Variant Server 0.00008.
gnomAD v4.1: 13 of 1,613,762 alleles (0.00081%); highest among the groups gnomAD compares: East Asian, 0.0022%; no homozygotes.

Submissions (3):

Labcorp Genetics (formerly Invitae), Labcorp
Classification: Uncertain significance for Progressive familial heart block type IB. Last evaluated: 2024-12-30. Review status: criteria provided, single submitter. Criteria: Invitae Variant Classification Sherloc (09022015). Collection method: clinical testing. Allele origin: germline.
Comment: This sequence change replaces arginine, which is basic and polar, with cysteine, which is neutral and slightly polar, at codon 214 of the TRPM4 protein (p.Arg214Cys). This variant is present in population databases (rs149860526, gnomAD 0.004%). This variant has not been reported in the literature in individuals affected with TRPM4-related conditions. ClinVar contains an entry for this variant (Variation ID: 618449). An algorithm developed to predict the effect of missense changes on protein structure and function (PolyPhen-2) suggests that this variant is likely to be disruptive. In summary, the available evidence is currently insufficient to determine the role of this variant in disease. Therefore, it has been classified as a Variant of Uncertain Significance.

Ambry Genetics
Classification: Uncertain significance for Cardiovascular phenotype. Last evaluated: 2023-04-18. Review status: criteria provided, single submitter. Criteria: Ambry Variant Classification Scheme 2023. Collection method: clinical testing. Allele origin: germline.
Comment: The p.R214C variant (also known as c.640C>T), located in coding exon 6 of the TRPM4 gene, results from a C to T substitution at nucleotide position 640. The arginine at codon 214 is replaced by cysteine, an amino acid with highly dissimilar properties. This amino acid position is conserved. In addition, this alteration is predicted to be tolerated by in silico analysis. Since supporting evidence is limited at this time, the clinical significance of this alteration remains unclear.

ARUP Laboratories, Molecular Genetics and Genomics, ARUP Laboratories
Classification: Uncertain significance. Last evaluated: 2017-08-18. Review status: criteria provided, single submitter. Criteria: ARUP Molecular Germline Variant Investigation Process. Collection method: clinical testing. Allele origin: germline.
Comment: The p.Arg214Cys variant (rs149860526) has not been reported in the medical literature, is not listed in gene-specific variant databases, nor has it been previously identified in our laboratory. It is listed in the Genome Aggregation Database (gnomAD) browser with an overall frequency of 0.001% (identified in 3 out of 245,988 chromosomes). The arginine at codon 214 is moderately conserved considering 12 species (Alamut software v2.9), and computational analyses suggest this variant has a significant effect on TRPM4 protein structure/function (SIFT: damaging, PolyPhen2: possibly damaging, and Mutation Taster: disease causing). However, based on the available information, the clinical significance of the p.Arg214Cys variant cannot be determined with certainty.